The following is an entry in ClinVar:

ClinVar aggregate classification (germline): Pathogenic (1 of 4 stars; one submission).

Conditions:
Amelogenesis imperfecta (AI). Also called: Congenital enamel hypoplasia. Identifiers: Orphanet 88661, MedGen C0002452, MONDO:0019507, HP:0000705.

Submission:

Department Of Pediatric Dentistry, Peking University School And Hospital Of Stomatology
Classification: Pathogenic for Amelogenesis imperfecta. Last evaluated: 2023-05-20. Review status: criteria provided, single submitter. Criteria: ACMG Guidelines, 2015. Collection method: clinical testing. Allele origin: germline. Inheritance: Autosomal dominant inheritance. Affected: yes. Observed: 2 variant alleles.
Comment: Patients with this splice-site variant had a distinct presentation of enamel defects, manifested by pitted and horizontally grooved surfaces. Gingival tissue from the patient was collected, and RT-PCR was conducted. The results confirmed abnormal splicing, as evidenced by the presence of two bands (a larger normal band and a smaller band) on the 2% agarose gel electrophoresis, whereas the control sample exhibited only one band (the larger one) . A minigene splicing assay was performed. The wild-type construct of the minigene splicing assay demonstrated a single band containing the expected splice donor (SD), exon 51-54 (738 bp), and splice acceptor (SA) regions. Conversely, the mutant construct displayed a smaller band with lower intensity. Sequencing analysis verified an in-frame skipping of exon 52 during splicing, resulting in the deletion of 130 amino acids from proline 1257 to arginine 1386 (p.P1257_R1386del).

NM_000494.4(COL17A1):c.4156+2dup

Gene: COL17A1 (collagen type XVII alpha 1 chain; minus strand). Cytogenetic location: 10q25.1.
Variant type: Duplication.
Coding change: c.4156+2dup on transcript NM_000494.4 (MANE Select); the canonical splice donor site of the intron after coding-DNA position 4156, one base duplicated (T; older notation c.4156+2dupT).
Molecular consequence: splice donor variant.
Genome position (GRCh38, 1-based): chr10:104,033,943, A duplicated on the plus strand (T on the coding strand, the reverse complement: COL17A1 is on the minus strand). VCF-style (leftmost placement, unchanged base first): chr10-104033942-T-TA. GRCh37 (hg19) VCF-style: chr10-105793700-T-TA.
Identifiers: ClinVar variation 2573130 (VCV002573130.2), dbSNP rs1295957061, ClinGen allele CA1933417762.